The following is an entry in ClinVar:

ClinVar aggregate classification (germline): Benign. Review status: criteria provided, multiple submitters, no conflicts (2 of 4 stars). 3 submissions from 3 submitters: Benign (3). Last evaluated 2023-11-12.

Allele frequency attached by ClinVar (database versions not stated): ESP Exome Variant Server 0.14416; gnomAD 0.15757 and 0.16313; TOPMed 0.16384; gnomAD exomes 0.19403 and 0.20893; 1000 Genomes Project 30x 0.20112; 1000 Genomes Project 0.20767; ExAC 0.22601.
gnomAD v4.1: 299,817 of 1,565,406 alleles (19%); highest among the groups gnomAD compares: East Asian, 43%; 31,415 homozygotes.

Submissions (3):

Unidad de Genómica Garrahan, Hospital de Pediatría Garrahan
Classification: Benign. Last evaluated: 2023-11-12. Review status: criteria provided, single submitter. Criteria: ACMG Guidelines, 2015. Collection method: clinical testing. Allele origin: germline. Affected: no. Observed: 30 variant alleles.
Comment: This variant is classified as Benign based on local population frequency. This variant was detected in 31% of patients studied by a panel of primary immunodeficiencies. Number of patients: 30. Only high quality variants are reported.

GeneDx
Classification: Benign. Last evaluated: 2018-07-07. Review status: criteria provided, single submitter. Criteria: GeneDx Variant Classification Process June 2021. Collection method: clinical testing. Allele origin: germline. Affected: yes.
Comment: This variant is associated with the following publications: (PMID: 19567624, 31961910)

Breakthrough Genomics
Classification: Benign. Review status: criteria provided, single submitter. Criteria: ACMG Guidelines, 2015. Collection method: not provided. Allele origin: germline. Inheritance: Autosomal recessive inheritance. Affected: yes.

NM_003331.5(TYK2):c.1012-36C>T

Gene: TYK2 (tyrosine kinase 2; minus strand). Cytogenetic location: 19p13.2.
Variant type: single nucleotide variant.
Coding change: c.1012-36C>T on transcript NM_003331.5 (MANE Select); 36 bases into the intron before coding-DNA position 1012, C replaced by T.
Molecular consequence: intron variant.
Genome position (GRCh38, 1-based): chr19:10,365,084, G>A on the plus strand (C>T on the coding strand, the complement: TYK2 is on the minus strand). VCF-style: chr19-10365084-G-A. GRCh37 (hg19) VCF-style: chr19-10475760-G-A.
Other names: c.1012-36C>T (NM_001385199.1, NM_001385206.1, NM_001385207.1 and 6 more transcripts); c.922-36C>T (NM_001385205.1); c.1012-313C>T (NM_001385201.1).
Identifiers: ClinVar variation 1257593 (VCV001257593.5), dbSNP rs12720270, ClinGen allele CA9193553.